The following is an entry in ClinVar:

NM_001009944.3(PKD1):c.214C>T (p.Leu72=)

Gene: PKD1 (polycystin 1, transient receptor potential channel interacting; minus strand). Cytogenetic location: 16p13.3.
Variant type: single nucleotide variant.
Coding change: c.214C>T on transcript NM_001009944.3 (MANE Select); coding-DNA position 214, C replaced by T.
Protein change: p.Leu72=; no amino-acid change (leucine 72 retained).
Molecular consequence: synonymous variant.
Genome position (GRCh38, 1-based): chr16:2,135,476, G>A on the plus strand (C>T on the coding strand, the complement: PKD1 is on the minus strand). VCF-style: chr16-2135476-G-A. GRCh37 (hg19) VCF-style: chr16-2185477-G-A.
Other names: p.Leu72=; c.214C>T, p.Leu72= (NM_000296.4).
Identifiers: ClinVar variation 433938 (VCV000433938.9), dbSNP rs972113626, ClinGen allele CA276756494.

ClinVar aggregate classification (germline): Benign/Likely benign. Review status: criteria provided, multiple submitters, no conflicts (2 of 4 stars). 6 submissions from 6 submitters: Benign (3); Likely benign (2). 1 of the submissions does not count toward it. Last evaluated 2025-01-21.

Conditions:
Polycystic kidney disease. Also called: Kidney, Polycystic; Polycystic kidney dysplasia. Identifiers: MedGen C0022680, MeSH D007690, MONDO:0020642, HP:0000113.
Kidney failure. Identifiers: MedGen C0035078, MONDO:0001106.

Allele frequency attached by ClinVar (database versions not stated): gnomAD exomes 0.00042; gnomAD 0.00464 and 0.00498; TOPMed 0.00544; 1000 Genomes Project 30x 0.00609.
gnomAD v4.1: 1,144 of 1,168,464 alleles (0.098%); highest among the groups gnomAD compares: African/African-American, 1.7%; 17 homozygotes.

Submissions (6):

Mayo Clinic Laboratories, Mayo Clinic
Classification: Benign. Last evaluated: 2025-01-21. Review status: criteria provided, single submitter. Criteria: ACMG Guidelines, 2015. Collection method: clinical testing. Allele origin: germline. Observed: 2 variant alleles.
Comment: BS1, BS2, BP4, BP7

Blueprint Genetics
Classification: Likely benign. Last evaluated: 2024-10-08. Review status: criteria provided, single submitter. Criteria: ACMG Guidelines, 2015. Collection method: clinical testing. Allele origin: germline.

GeneDx
Classification: Benign. Last evaluated: 2020-04-01. Review status: criteria provided, single submitter. Criteria: GeneDx Variant Classification Process June 2021. Collection method: clinical testing. Allele origin: germline. Affected: yes.
Comment: This variant is associated with the following publications: (PMID: 23624871, 17574468)

Cambridge Genomics Laboratory, East Genomic Laboratory Hub, NHS Genomic Medicine Service
Classification: Likely benign for Kidney failure. Last evaluated: 2020-01-29. Review status: criteria provided, single submitter. Criteria: ACGS Best Practice Guidelines for Variant Classification in Rare Disease 2020. Collection method: clinical testing. Allele origin: germline. Affected: yes. Observed: 1 variant allele.

Athena Diagnostics
Classification: Benign. Last evaluated: 2017-04-27. Review status: criteria provided, single submitter. Criteria: Athena Diagnostics Criteria. Collection method: clinical testing. Allele origin: germline.

Department of Pathology and Laboratory Medicine, Sinai Health System
Classification: Likely benign for Polycystic Kidney disease. Review status: no assertion criteria provided. Collection method: clinical testing. Allele origin: unknown. Affected: yes. Study: The Canadian Open Genetics Repository (COGR). Not counted in ClinVar's aggregate classification.
Comment: The PKD1 p.Leu72= variant was identified in 2 of 164 proband chromosomes (frequency: 0.012) from individuals or families with ADPKD (Garcia-Gonzalez 2007). The variant was also identified in dbSNP (ID: rs972113626) as "With other allele", ClinVar (classified as benign by Athena Diagnostics), and ADPKD Mutation Database (as likely neutral). The variant was identified in control databases in 132 of 29122 chromosomes at a frequency of 0.0045 (Genome Aggregation Database Feb 27, 2017), and observed in the following populations: African in 130 of 8606 chromosomes (freq: 0.015), European in 2 of 13928 chromosomes (freq. 0.00014), while not observed in the Other, Latino, Ashkenazi Jewish, East Asian, Finnish, and South Asian populations. The p.Leu72= variant is not expected to have clinical significance because it does not result in a change of amino acid and is not located in a known consensus splice site. In addition, in silico or computational prediction software programs (SpliceSiteFinder, MaxEntScan, NNSPLICE, GeneSplicer) do not predict a difference in splicing. In summary, based on the above information, the clinical significance of this variant cannot be determined with certainty at this time although we would lean towards a more benign role for this variant. This variant is classified as likely benign.

Literature cited by the submitters: PubMed 23624871 (cited by Athena Diagnostics); PubMed 17574468 (cited by Athena Diagnostics).